The following is an entry in ClinVar:

NM_001352754.2(ARMC9):c.1906C>T (p.Arg636Trp)

Gene: ARMC9 (armadillo repeat containing 9; plus strand). Cytogenetic location: 2q37.1.
Variant type: single nucleotide variant.
Coding change: c.1906C>T on transcript NM_001352754.2 (MANE Select); coding-DNA position 1906, C replaced by T.
Protein change: p.Arg636Trp; replaces arginine 636 with tryptophan.
Molecular consequence: missense variant. On other transcripts: non-coding transcript variant (1).
Genome position (GRCh38, 1-based): chr2:231,345,002, C>T. VCF-style: chr2-231345002-C-T. GRCh37 (hg19) VCF-style: chr2-232209714-C-T.
Other names: c.1906C>T (NM_025139.5); c.1906C>T, p.Arg636Trp (NM_001271466.4, NM_001291656.2, NM_001352755.2 and 2 more transcripts); c.1807C>T, p.Arg603Trp (NM_001352757.2, NM_001352758.2); c.1801C>T, p.Arg601Trp (NM_001352759.2); short protein forms R636W, R601W, R603W.
Identifiers: ClinVar variation 775064 (VCV000775064.41), dbSNP rs144026971, ClinGen allele CA2160541.

ClinVar aggregate classification (germline): Likely benign. Review status: criteria provided, multiple submitters, no conflicts (2 of 4 stars). 4 submissions from 4 submitters: Likely benign (3). 1 of the submissions does not count toward it. Last evaluated 2026-01-21.

Conditions:
ARMC9-related disorder. Also called: ARMC9-related condition.

Allele frequency attached by ClinVar (database versions not stated): ESP Exome Variant Server 0.00192; TOPMed 0.00197; gnomAD 0.00199 and 0.00208; gnomAD exomes 0.00244; ExAC 0.00263; 1000 Genomes Project 30x 0.00281; 1000 Genomes Project 0.00319.
gnomAD v4.1: 4,231 of 1,613,992 alleles (0.26%); highest among the groups gnomAD compares: South Asian, 0.37%; 5 homozygotes.

Submissions (8):

Labcorp Genetics (formerly Invitae), Labcorp
Classification: Likely benign. Last evaluated: 2026-01-21. Review status: criteria provided, single submitter. Criteria: Invitae Variant Classification Sherloc (09022015). Collection method: clinical testing. Allele origin: germline.

Blueprint Genetics
Classification: Likely benign. Last evaluated: 2024-11-08. Review status: criteria provided, single submitter. Criteria: ACMG Guidelines, 2015. Collection method: clinical testing. Allele origin: germline.

CeGaT Center for Human Genetics Tuebingen
Classification: Likely benign. Last evaluated: 2024-01-01. Review status: criteria provided, single submitter. Criteria: CeGaT Center For Human Genetics Tuebingen Variant Classification Criteria Version 2. Collection method: clinical testing. Allele origin: germline. Affected: yes. Observed: 3 variant alleles.
Comment: ARMC9: BP4, BS1

PreventionGenetics, part of Exact Sciences
Classification: Likely benign for ARMC9-related condition. Last evaluated: 2020-01-07. Review status: no assertion criteria provided. Collection method: clinical testing. Allele origin: germline. Not counted in ClinVar's aggregate classification.
Comment: This variant is classified as likely benign based on ACMG/AMP sequence variant interpretation guidelines (Richards et al. 2015 PMID: 25741868, with internal and published modifications).

Dr. Peter K. Rogan Lab, Western University
No classification provided (evidence only). Condition: Melanoma. Review status: no classification provided. Collection method: in vitro. Allele origin: not applicable. Functional consequence: skipped exon. Not counted in ClinVar's aggregate classification.

Dr. Peter K. Rogan Lab, Western University
No classification provided (evidence only). Condition: Cervical cancer. Review status: no classification provided. Collection method: in vitro. Allele origin: not applicable. Functional consequence: skipped exon. Not counted in ClinVar's aggregate classification.

Dr. Peter K. Rogan Lab, Western University
No classification provided (evidence only). Condition: Cervical cancer. Review status: no classification provided. Collection method: in vitro. Allele origin: not applicable. Functional consequence: skipped exon. Not counted in ClinVar's aggregate classification.

Dr. Peter K. Rogan Lab, Western University
No classification provided (evidence only). Condition: Hepatocellular carcinoma. Review status: no classification provided. Collection method: in vitro. Allele origin: not applicable. Functional consequence: retained intron. Not counted in ClinVar's aggregate classification.